The following is an entry in ClinVar:

NM_006767.4(LZTR1):c.180C>T (p.Cys60=)

Gene: LZTR1 (leucine zipper like post translational regulator 1; plus strand). Cytogenetic location: 22q11.21.
Variant type: single nucleotide variant.
Coding change: c.180C>T on transcript NM_006767.4 (MANE Select); coding-DNA position 180, C replaced by T.
Protein change: p.Cys60=; no amino-acid change (cysteine 60 retained).
Molecular consequence: synonymous variant.
Genome position (GRCh38, 1-based): chr22:20,982,551, C>T. VCF-style: chr22-20982551-C-T. GRCh37 (hg19) VCF-style: chr22-21336840-C-T.
Identifiers: ClinVar variation 1661677 (VCV001661677.13), dbSNP rs766446110, ClinGen allele CA10118291.

ClinVar aggregate classification (germline): Likely benign. Review status: criteria provided, multiple submitters, no conflicts (2 of 4 stars). 4 submissions from 4 submitters: Likely benign (3). 1 of the submissions does not count toward it. Last evaluated 2025-12-29.

Conditions:
LZTR1-related disorder. Also called: LZTR1-related disorders; LZTR1-related condition.
Hereditary cancer-predisposing syndrome. Also called: Hereditary neoplastic syndrome; Neoplastic Syndromes, Hereditary; Hereditary Cancer Syndrome; Tumor predisposition. Identifiers: Orphanet 140162, MedGen C0027672, MeSH D009386, MONDO:0015356.
Cardiovascular phenotype. Identifiers: MedGen CN230736.

Allele frequency attached by ClinVar (database versions not stated): gnomAD 0.00001; TOPMed 0.00001; ExAC 0.00003; gnomAD exomes 0.00003.
gnomAD v4.1: 13 of 1,612,276 alleles (0.00081%); highest among the groups gnomAD compares: Admixed American, 0.012%; no homozygotes.

Submissions (4):

Labcorp Genetics (formerly Invitae), Labcorp
Classification: Likely benign. Last evaluated: 2025-12-29. Review status: criteria provided, single submitter. Criteria: Invitae Variant Classification Sherloc (09022015). Collection method: clinical testing. Allele origin: germline.

Blueprint Genetics
Classification: Likely benign. Last evaluated: 2024-11-05. Review status: criteria provided, single submitter. Criteria: ACMG Guidelines, 2015. Collection method: clinical testing. Allele origin: germline.

Ambry Genetics
Classification: Likely benign for Cardiovascular phenotype; Hereditary cancer-predisposing syndrome. Last evaluated: 2020-09-01. Review status: criteria provided, single submitter. Criteria: Ambry Variant Classification Scheme 2023. Collection method: clinical testing. Allele origin: germline.

PreventionGenetics, part of Exact Sciences
Classification: Likely benign for LZTR1-related condition. Last evaluated: 2021-09-08. Review status: no assertion criteria provided. Collection method: clinical testing. Allele origin: germline. Not counted in ClinVar's aggregate classification.
Comment: This variant is classified as likely benign based on ACMG/AMP sequence variant interpretation guidelines (Richards et al. 2015 PMID: 25741868, with internal and published modifications).